The following is an entry in ClinVar:

NM_170784.3(MKKS):c.1649A>C (p.Gln550Pro)

Gene: MKKS (MKKS centrosomal shuttling protein; minus strand). Cytogenetic location: 20p12.2.
Variant type: single nucleotide variant.
Coding change: c.1649A>C on transcript NM_170784.3 (MANE Select); coding-DNA position 1649, A replaced by C.
Protein change: p.Gln550Pro; replaces glutamine 550 with proline.
Molecular consequence: missense variant. On other transcripts: non-coding transcript variant (1).
Genome position (GRCh38, 1-based): chr20:10,405,311, T>G on the plus strand (A>C on the coding strand, the complement: MKKS is on the minus strand). VCF-style: chr20-10405311-T-G. GRCh37 (hg19) VCF-style: chr20-10385959-T-G.
Other names: c.1649A>C, p.Gln550Pro (NM_018848.3); short protein forms Q550P.
Identifiers: ClinVar variation 2075451 (VCV002075451.4), dbSNP rs2514486394, ClinGen allele CA408230438.
Genomic context (GRCh38, chr20:10,405,311, plus strand): 5'-TTTTTATCTTCAATAACATATGAAAGATCCAAAATCAAATTGGCTGTCTCTACAGCCACC[T>G]GTAGGCCACTAAGCTTTGCAGTCAAACAGTCCAAGGTCAGGTTGCTGGCTGAGCCCACAG-3'
Protein context (NP_740754.1, residues 540-560): DCLTAKLSGL[Gln550Pro]VAVETANLIL

ClinVar aggregate classification (germline): Uncertain significance (1 of 4 stars; one submission).

Conditions:
Bardet-Biedl syndrome (BBS). Identifiers: Orphanet 110, MedGen C0752166, MONDO:0015229.
McKusick-Kaufman syndrome (MKKS). Also called: HYDROMETROCOLPOS SYNDROME; HYDROMETROCOLPOS, POSTAXIAL POLYDACTYLY, AND CONGENITAL HEART MALFORMATION. Identifiers: Orphanet 2473, MedGen C0948368, MONDO:0009367, OMIM 236700.

Allele frequency attached by ClinVar (database versions not stated): gnomAD exomes below 0.00001.
gnomAD v4.1: 1 of 1,614,032 alleles (0.000062%); highest among the groups gnomAD compares: Non-Finnish European, 0.000085%; no homozygotes.

Submission:

Labcorp Genetics (formerly Invitae), Labcorp
Classification: Uncertain significance for McKusick-Kaufman syndrome; Bardet-Biedl syndrome. Last evaluated: 2023-07-10. Review status: criteria provided, single submitter. Criteria: Invitae Variant Classification Sherloc (09022015). Collection method: clinical testing. Allele origin: germline.
Comment: This sequence change replaces glutamine, which is neutral and polar, with proline, which is neutral and non-polar, at codon 550 of the MKKS protein (p.Gln550Pro). This variant is not present in population databases (gnomAD no frequency). This missense change has been observed in individual(s) with Bardet-Biedl syndrome (Invitae). ClinVar contains an entry for this variant (Variation ID: 2075451). Advanced modeling of protein sequence and biophysical properties (such as structural, functional, and spatial information, amino acid conservation, physicochemical variation, residue mobility, and thermodynamic stability) performed at Invitae indicates that this missense variant is not expected to disrupt MKKS protein function. In summary, the available evidence is currently insufficient to determine the role of this variant in disease. Therefore, it has been classified as a Variant of Uncertain Significance.